The following is an entry in ClinVar:

NM_030957.4(ADAMTS10):c.3182C>A (p.Thr1061Asn)

Gene: ADAMTS10 (ADAM metallopeptidase with thrombospondin type 1 motif 10; minus strand). Cytogenetic location: 19p13.2.
Variant type: single nucleotide variant.
Coding change: c.3182C>A on transcript NM_030957.4 (MANE Select); coding-DNA position 3182, C replaced by A.
Protein change: p.Thr1061Asn; replaces threonine 1061 with asparagine.
Molecular consequence: missense variant.
Genome position (GRCh38, 1-based): chr19:8,584,915, G>T on the plus strand (C>A on the coding strand, the complement: ADAMTS10 is on the minus strand). VCF-style: chr19-8584915-G-T. GRCh37 (hg19) VCF-style: chr19-8649799-G-T.
Other names: c.1643C>A, p.Thr548Asn (NM_001282352.2); short protein forms T1061N, T548N.
Identifiers: ClinVar variation 1982056 (VCV001982056.3), dbSNP rs530244308, ClinGen allele CA304997180.

ClinVar aggregate classification (germline): Uncertain significance (1 of 4 stars; one submission).

Allele frequency attached by ClinVar (database versions not stated): gnomAD 0.00002; TOPMed 0.00002; gnomAD exomes 0.00003; 1000 Genomes Project 30x 0.00016; 1000 Genomes Project 0.00020.
gnomAD v4.1: 38 of 1,549,012 alleles (0.0025%); highest among the groups gnomAD compares: East Asian, 0.088%; no homozygotes.

Submission:

Labcorp Genetics (formerly Invitae), Labcorp
Classification: Uncertain significance. Last evaluated: 2022-06-10. Review status: criteria provided, single submitter. Criteria: Invitae Variant Classification Sherloc (09022015). Collection method: clinical testing. Allele origin: germline.
Comment: In summary, the available evidence is currently insufficient to determine the role of this variant in disease. Therefore, it has been classified as a Variant of Uncertain Significance. Algorithms developed to predict the effect of missense changes on protein structure and function (SIFT, PolyPhen-2, Align-GVGD) all suggest that this variant is likely to be tolerated. This variant has not been reported in the literature in individuals affected with ADAMTS10-related conditions. This variant is present in population databases (rs530244308, gnomAD 0.03%). This sequence change replaces threonine, which is neutral and polar, with asparagine, which is neutral and polar, at codon 1061 of the ADAMTS10 protein (p.Thr1061Asn).